The following is an entry in ClinVar:

NM_000159.4(GCDH):c.510G>T (p.Lys170Asn)

Gene: GCDH (glutaryl-CoA dehydrogenase; plus strand). Cytogenetic location: 19p13.13.
Variant type: single nucleotide variant.
Coding change: c.510G>T on transcript NM_000159.4 (MANE Select); coding-DNA position 510, G replaced by T.
Protein change: p.Lys170Asn; replaces lysine 170 with asparagine.
Molecular consequence: missense variant. On other transcripts: non-coding transcript variant (2).
Genome position (GRCh38, 1-based): chr19:12,895,996, G>T. VCF-style: chr19-12895996-G-T. GRCh37 (hg19) VCF-style: chr19-13006810-G-T.
Other names: c.510G>T (NM_000159.3); c.510G>T, p.Lys170Asn (NM_013976.5); short protein forms K170N.
Identifiers: ClinVar variation 2896089 (VCV002896089.5), dbSNP rs200785120, ClinGen allele CA9234418.

ClinVar aggregate classification (germline): Likely pathogenic. Review status: criteria provided, multiple submitters, no conflicts (2 of 4 stars). 2 submissions from 2 submitters: Likely pathogenic (2). Last evaluated 2025-05-27.

Conditions:
Glutaric aciduria, type 1. Also called: Glutaryl-CoA dehydrogenase deficiency; Glutaric acidemia type I; Glutaricacidemia Type 1; Glutaricaciduria, type I; GA I; Glutaric Acidemia Type 1. Identifiers: Orphanet 25, MedGen C0268595, MONDO:0009281, OMIM 231670.

Allele frequency attached by ClinVar (database versions not stated): 1000 Genomes Project 30x 0.00016.
gnomAD v4.1: 8 of 1,613,990 alleles (0.0005%); highest among the groups gnomAD compares: South Asian, 0.0077%; no homozygotes.

Submissions (2):

Natera, Inc.
Classification: Likely pathogenic for Glutaric acidemia type 1. Last evaluated: 2025-05-27. Review status: criteria provided, single submitter. Criteria: Natera Variant Classification Schema (03/2026). Collection method: clinical testing. Allele origin: germline.
Comment: The c.510G>T variant in GCDH is a missense variant predicted to cause substitution of lysine to asparagine at amino acid 170. This variant is rare in the general population with a frequency below the threshold expected for the associated phenotype(s). Another variant at this same site results in an alteration predicted to cause a similar molecular effect has been observed in individual(s) with the associated phenotype. Computational prediction algorithms indicate this variant is likely to affect gene or protein function. Given the available evidence, this variant is classified as Likely Pathogenic.

Labcorp Genetics (formerly Invitae), Labcorp
Classification: Likely pathogenic for Glutaric aciduria, type 1. Last evaluated: 2023-02-04. Review status: criteria provided, single submitter. Criteria: Invitae Variant Classification Sherloc (09022015). Collection method: clinical testing. Allele origin: germline.
Comment: This sequence change replaces lysine, which is basic and polar, with asparagine, which is neutral and polar, at codon 170 of the GCDH protein (p.Lys170Asn). This variant is present in population databases (rs200785120, gnomAD 0.01%). This missense change has been observed in individual(s) with clinical features of glutaric aciduria (PMID: 29665094, 34207159). Advanced modeling of protein sequence and biophysical properties (such as structural, functional, and spatial information, amino acid conservation, physicochemical variation, residue mobility, and thermodynamic stability) performed at Invitae indicates that this missense variant is not expected to disrupt GCDH protein function. This variant disrupts the p.Lys170 amino acid residue in GCDH. Other variant(s) that disrupt this residue have been determined to be pathogenic (PMID: 23225040). This suggests that this residue is clinically significant, and that variants that disrupt this residue are likely to be disease-causing. In summary, the currently available evidence indicates that the variant is pathogenic, but additional data are needed to prove that conclusively. Therefore, this variant has been classified as Likely Pathogenic.

Literature cited by the submitters: PubMed 29665094 (cited by Labcorp Genetics (formerly Invitae), Labcorp); PubMed 34207159 (cited by Labcorp Genetics (formerly Invitae), Labcorp); PubMed 23225040 (cited by Labcorp Genetics (formerly Invitae), Labcorp).